The following is an entry in ClinVar:

ClinVar aggregate classification (germline): Uncertain significance (1 of 4 stars; one submission).

gnomAD v4.1: 1 of 1,613,466 alleles (0.000062%); no homozygotes.

Submission:

Labcorp Genetics (formerly Invitae), Labcorp
Classification: Uncertain significance. Last evaluated: 2023-11-28. Review status: criteria provided, single submitter. Criteria: Invitae Variant Classification Sherloc (09022015). Collection method: clinical testing. Allele origin: germline.
Comment: This sequence change falls in intron 8 of the AP3B2 gene. It does not directly change the encoded amino acid sequence of the AP3B2 protein. It affects a nucleotide within the consensus splice site. This variant is not present in population databases (gnomAD no frequency). This variant has not been reported in the literature in individuals affected with AP3B2-related conditions. ClinVar contains an entry for this variant (Variation ID: 2025754). Variants that disrupt the consensus splice site are a relatively common cause of aberrant splicing (PMID: 17576681, 9536098). Algorithms developed to predict the effect of sequence changes on RNA splicing suggest that this variant is not likely to affect RNA splicing. In summary, the available evidence is currently insufficient to determine the role of this variant in disease. Therefore, it has been classified as a Variant of Uncertain Significance.

Literature cited by the submitters: PubMed 17576681; PubMed 9536098.

NM_001278512.2(AP3B2):c.1056-3C>T

Genes: AP3B2 (adaptor related protein complex 3 subunit beta 2; minus strand), CPEB1-AS1 (CPEB1 antisense RNA 1; plus strand). Cytogenetic location: 15q25.2.
Variant type: single nucleotide variant.
Coding change: c.1056-3C>T on transcript NM_001278512.2 (MANE Select); 3 bases into the intron before coding-DNA position 1056, C replaced by T.
Molecular consequence: intron variant.
Genome position (GRCh38, 1-based): chr15:82,680,232, G>A on the plus strand (C>T on the coding strand, the complement: AP3B2 is on the minus strand). VCF-style: chr15-82680232-G-A. GRCh37 (hg19) VCF-style: chr15-83348984-G-A.
Other names: c.960-3C>T (NM_001278511.2); c.1056-3C>T (NM_004644.5).
Identifiers: ClinVar variation 2025754 (VCV002025754.4), dbSNP rs2048311975, ClinGen allele CA972087191.